The following is an entry in ClinVar:

ClinVar aggregate classification (germline): Uncertain significance. Review status: criteria provided, multiple submitters, no conflicts (2 of 4 stars). 2 submissions from 2 submitters: Uncertain significance (2). Last evaluated 2020-04-16.

Conditions:
Rienhoff syndrome. Also called: LOEYS-DIETZ SYNDROME 5. Identifiers: MedGen C3810012, MONDO:0014262, OMIM 615582.

Submissions (2):

Labcorp Genetics (formerly Invitae), Labcorp
Classification: Uncertain significance for Rienhoff syndrome. Last evaluated: 2020-04-16. Review status: criteria provided, single submitter. Criteria: Invitae Variant Classification Sherloc (09022015). Collection method: clinical testing. Allele origin: germline.
Comment: This variant has not been reported in the literature in individuals with TGFB3-related conditions. In summary, the available evidence is currently insufficient to determine the role of this variant in disease. Therefore, it has been classified as a Variant of Uncertain Significance. Algorithms developed to predict the effect of missense changes on protein structure and function (SIFT, PolyPhen-2, Align-GVGD) all suggest that this variant is likely to be tolerated, but these predictions have not been confirmed by published functional studies and their clinical significance is uncertain. This variant is not present in population databases (ExAC no frequency). This sequence change replaces lysine with glutamine at codon 298 of the TGFB3 protein (p.Lys298Gln). The lysine residue is moderately conserved and there is a small physicochemical difference between lysine and glutamine.

GeneDx
Classification: Uncertain significance. Last evaluated: 2019-08-29. Review status: criteria provided, single submitter. Criteria: GeneDx Variant Classification Process June 2021. Collection method: clinical testing. Allele origin: germline. Affected: yes.
Comment: Not observed in large population cohorts (Lek et al., 2016); In silico analysis, which includes protein predictors and evolutionary conservation, supports that this variant does not alter protein structure/function; Has not been previously published as pathogenic or benign to our knowledge

NM_003239.5(TGFB3):c.892A>C (p.Lys298Gln)

Gene: TGFB3 (transforming growth factor beta 3; minus strand). Cytogenetic location: 14q24.3.
Variant type: single nucleotide variant.
Coding change: c.892A>C on transcript NM_003239.5 (MANE Select); coding-DNA position 892, A replaced by C.
Protein change: p.Lys298Gln; replaces lysine 298 with glutamine.
Molecular consequence: missense variant.
Genome position (GRCh38, 1-based): chr14:75,963,350, T>G on the plus strand (A>C on the coding strand, the complement: TGFB3 is on the minus strand). VCF-style: chr14-75963350-T-G. GRCh37 (hg19) VCF-style: chr14-76429693-T-G.
Other names: c.892A>C, p.Lys298Gln (NM_001329938.2, NM_001329939.2); short protein forms K298Q.
Identifiers: ClinVar variation 1023849 (VCV001023849.11), dbSNP rs2035181062, ClinGen allele CA390468240.
Genomic context (GRCh38, chr14:75,963,350, plus strand): 5'-TGGTTCCCATGTGGGCCCAGTCTCACCGGAAGCAGTAATTGGTGTCCAAAGCCCGCTTCT[T>G]CCTCTGACCCCCCTGGCCCGGGTTGTCGAGCCGGTGTGGGGGAATCATCATGAGGATTAG-3'
Protein context (NP_003230.1, residues 288-308): LDNPGQGGQR[Lys298Gln]KRALDTNYCF